The following is an entry in ClinVar:

NM_002224.4(ITPR3):c.1343C>T (p.Ala448Val)

Gene: ITPR3 (inositol 1,4,5-trisphosphate receptor type 3; plus strand). Cytogenetic location: 6p21.31.
Variant type: single nucleotide variant.
Coding change: c.1343C>T on transcript NM_002224.4 (MANE Select); coding-DNA position 1343, C replaced by T.
Protein change: p.Ala448Val; replaces alanine 448 with valine.
Molecular consequence: missense variant.
Genome position (GRCh38, 1-based): chr6:33,665,147, C>T. VCF-style: chr6-33665147-C-T. GRCh37 (hg19) VCF-style: chr6-33632924-C-T.
Other names: short protein forms A448V.
Identifiers: ClinVar variation 4988874 (VCV004988874.1).

ClinVar aggregate classification (germline): Uncertain significance (1 of 4 stars; one submission).

Conditions:
ITPR3-related disorder. Also called: ITPR3-related condition.

Submission:

PreventionGenetics, part of Exact Sciences
Classification: Uncertain significance for ITPR3-related condition. Last evaluated: 2024-11-23. Review status: criteria provided, single submitter. Criteria: ACMG Guidelines, 2015. Collection method: clinical testing. Allele origin: germline.
Comment: The ITPR3 c.1343C>T variant is predicted to result in the amino acid substitution p.Ala448Val. To our knowledge, this variant has not been reported in the literature or in a large population database (gnomAD), indicating this variant is rare. At this time, the clinical significance of this variant is uncertain due to the absence of conclusive functional and genetic evidence.